The following is an entry in ClinVar:

NM_052947.4(ALPK2):c.2799C>A (p.Ser933Arg)

Gene: ALPK2 (alpha kinase 2; minus strand). Cytogenetic location: 18q21.31.
Variant type: single nucleotide variant.
Coding change: c.2799C>A on transcript NM_052947.4 (MANE Select); coding-DNA position 2799, C replaced by A.
Protein change: p.Ser933Arg; replaces serine 933 with arginine.
Molecular consequence: missense variant.
Genome position (GRCh38, 1-based): chr18:58,537,388, G>T on the plus strand (C>A on the coding strand, the complement: ALPK2 is on the minus strand). VCF-style: chr18-58537388-G-T. GRCh37 (hg19) VCF-style: chr18-56204620-G-T.
Other names: short protein forms S933R.
Identifiers: ClinVar variation 1796111 (VCV001796111.3), dbSNP rs2518877232, ClinGen allele CA402569754.

ClinVar aggregate classification (germline): Uncertain significance (1 of 4 stars; one submission).

Submission:

Ambry Genetics
Classification: Uncertain significance. Last evaluated: 2022-04-19. Review status: criteria provided, single submitter. Criteria: Ambry Variant Classification Scheme 2023. Collection method: clinical testing. Allele origin: germline.
Comment: The p.S933R variant (also known as c.2799C>A), located in coding exon 4 of the ALPK2 gene, results from a C to A substitution at nucleotide position 2799. The serine at codon 933 is replaced by arginine, an amino acid with dissimilar properties. This amino acid position is conserved. In addition, this alteration is predicted to be tolerated by in silico analysis. Since supporting evidence is limited at this time, the clinical significance of this alteration remains unclear.